The following is an entry in ClinVar:

NM_001374259.2(IL12RB2):c.836A>G (p.His279Arg)

Gene: IL12RB2 (interleukin 12 receptor subunit beta 2; plus strand). Cytogenetic location: 1p31.3.
Variant type: single nucleotide variant.
Coding change: c.836A>G on transcript NM_001374259.2 (MANE Select); coding-DNA position 836, A replaced by G.
Protein change: p.His279Arg; replaces histidine 279 with arginine.
Molecular consequence: missense variant. On other transcripts: non-coding transcript variant (2).
Genome position (GRCh38, 1-based): chr1:67,330,688, A>G. VCF-style: chr1-67330688-A-G. GRCh37 (hg19) VCF-style: chr1-67796371-A-G.
Other names: c.836A>G, p.His279Arg (NM_001258214.1, NM_001258215.1, NM_001258216.1 and 2 more transcripts); short protein forms H279R.
Identifiers: ClinVar variation 2414853 (VCV002414853.6), dbSNP rs2525960919, ClinGen allele CA340734229.

ClinVar aggregate classification (germline): Uncertain significance (1 of 4 stars; one submission).

Submission:

Labcorp Genetics (formerly Invitae), Labcorp
Classification: Uncertain significance. Last evaluated: 2025-03-11. Review status: criteria provided, single submitter. Criteria: Invitae Variant Classification Sherloc (09022015). Collection method: clinical testing. Allele origin: germline.
Comment: This sequence change replaces histidine, which is basic and polar, with arginine, which is basic and polar, at codon 279 of the IL12RB2 protein (p.His279Arg). This variant is not present in population databases (gnomAD no frequency). This variant has not been reported in the literature in individuals affected with IL12RB2-related conditions. ClinVar contains an entry for this variant (Variation ID: 2414853). An algorithm developed to predict the effect of missense changes on protein structure and function (PolyPhen-2) suggests that this variant is likely to be tolerated. In summary, the available evidence is currently insufficient to determine the role of this variant in disease. Therefore, it has been classified as a Variant of Uncertain Significance.